The following is an entry in ClinVar:

ClinVar aggregate classification (germline): Uncertain significance. Review status: criteria provided, multiple submitters, no conflicts (2 of 4 stars). 5 submissions from 5 submitters: Uncertain significance (5). Last evaluated 2025-11-13.

Conditions:
Cranioectodermal dysplasia 1 (CED1). Also called: LEVIN SYNDROME I. Identifiers: Orphanet 1515, MedGen C0432235, MONDO:0021093, OMIM 218330.
Inborn genetic diseases. Identifiers: MedGen C0950123, MeSH D030342.

Allele frequency attached by ClinVar (database versions not stated): gnomAD 0.00003 and 0.00004; TOPMed 0.00004.
gnomAD v4.1: 105 of 1,614,112 alleles (0.0065%); highest among the groups gnomAD compares: South Asian, 0.0077%; no homozygotes.

Submissions (5):

Ambry Genetics
Classification: Uncertain significance for Inborn genetic diseases. Last evaluated: 2025-11-13. Review status: criteria provided, single submitter. Criteria: Ambry Variant Classification Scheme 2023. Collection method: clinical testing. Allele origin: germline.

Fulgent Genetics
Classification: Uncertain significance for Cranioectodermal dysplasia 1. Last evaluated: 2024-05-20. Review status: criteria provided, single submitter. Criteria: ACMG Guidelines, 2015. Collection method: clinical testing. Allele origin: germline.

Mayo Clinic Laboratories, Mayo Clinic
Classification: Uncertain significance. Last evaluated: 2023-10-10. Review status: criteria provided, single submitter. Criteria: ACMG Guidelines, 2015. Collection method: clinical testing. Allele origin: germline. Observed: 1 variant allele.
Comment: BP4

GeneDx
Classification: Uncertain significance. Last evaluated: 2022-01-31. Review status: criteria provided, single submitter. Criteria: GeneDx Variant Classification Process June 2021. Collection method: clinical testing. Allele origin: germline. Affected: yes.
Comment: In silico analysis supports that this missense variant does not alter protein structure/function; Has not been previously published as pathogenic or benign to our knowledge

Labcorp Genetics (formerly Invitae), Labcorp
Classification: Uncertain significance for Cranioectodermal dysplasia 1. Last evaluated: 2021-08-24. Review status: criteria provided, single submitter. Criteria: Invitae Variant Classification Sherloc (09022015). Collection method: clinical testing. Allele origin: germline.
Comment: This sequence change replaces leucine with valine at codon 1076 of the IFT122 protein (p.Leu1076Val). The leucine residue is highly conserved and there is a small physicochemical difference between leucine and valine. This variant is present in population databases (rs778888913, ExAC 0.02%). This variant has not been reported in the literature in individuals affected with IFT122-related conditions. Algorithms developed to predict the effect of missense changes on protein structure and function (SIFT, PolyPhen-2, Align-GVGD) all suggest that this variant is likely to be disruptive. In summary, the available evidence is currently insufficient to determine the role of this variant in disease. Therefore, it has been classified as a Variant of Uncertain Significance.

NM_052989.3(IFT122):c.3073C>G (p.Leu1025Val)

Gene: IFT122 (intraflagellar transport 122; plus strand). Cytogenetic location: 3q22.1.
Variant type: single nucleotide variant.
Coding change: c.3073C>G on transcript NM_052989.3 (MANE Select); coding-DNA position 3073, C replaced by G.
Protein change: p.Leu1025Val; replaces leucine 1025 with valine.
Molecular consequence: missense variant.
Genome position (GRCh38, 1-based): chr3:129,514,474, C>G. VCF-style: chr3-129514474-C-G. GRCh37 (hg19) VCF-style: chr3-129233317-C-G.
Other names: p.Leu1076Val; c.3226C>G (NM_052985.2); c.3052C>G, p.Leu1018Val (NM_001280541.2); c.2623C>G, p.Leu875Val (NM_001280545.2); c.2446C>G, p.Leu816Val (NM_001280546.2); c.2896C>G, p.Leu966Val (NM_018262.4); c.3226C>G, p.Leu1076Val (NM_052985.4); c.2743C>G, p.Leu915Val (NM_052990.3); short protein forms L1018V, L1025V, L1076V, L816V, L875V, L915V, L966V.
Identifiers: ClinVar variation 1699780 (VCV001699780.7), dbSNP rs778888913, ClinGen allele CA2606774.